The following is an entry in ClinVar:

ClinVar aggregate classification (germline): Likely benign (1 of 4 stars; one submission).

Allele frequency attached by ClinVar (database versions not stated): gnomAD exomes below 0.00001; ExAC 0.00001.
gnomAD v4.1: 4 of 1,613,186 alleles (0.00025%); highest among the groups gnomAD compares: East Asian, 0.0045%; no homozygotes.

Submission:

CeGaT Center for Human Genetics Tuebingen
Classification: Likely benign. Last evaluated: 2023-02-01. Review status: criteria provided, single submitter. Criteria: CeGaT Center For Human Genetics Tuebingen Variant Classification Criteria Version 2. Collection method: clinical testing. Allele origin: germline. Affected: yes. Observed: 1 variant allele.
Comment: DCC: BP4, BP7

NM_005215.4(DCC):c.783T>C (p.Cys261=)

Gene: DCC (DCC netrin 1 receptor; plus strand). Cytogenetic location: 18q21.2.
Variant type: single nucleotide variant.
Coding change: c.783T>C on transcript NM_005215.4 (MANE Select); coding-DNA position 783, T replaced by C.
Protein change: p.Cys261=; no amino-acid change (cysteine 261 retained).
Molecular consequence: synonymous variant.
Genome position (GRCh38, 1-based): chr18:52,923,792, T>C. VCF-style: chr18-52923792-T-C. GRCh37 (hg19) VCF-style: chr18-50450162-T-C.
Identifiers: ClinVar variation 2648724 (VCV002648724.24), dbSNP rs764544614, ClinGen allele CA8966637.